The following is an entry in ClinVar:

NM_001377275.1(PER3):c.1243C>G (p.Pro415Ala)

Gene: PER3 (period circadian regulator 3; plus strand). Cytogenetic location: 1p36.23.
Variant type: single nucleotide variant.
Coding change: c.1243C>G on transcript NM_001377275.1 (MANE Select); coding-DNA position 1243, C replaced by G.
Protein change: p.Pro415Ala; replaces proline 415 with alanine.
Molecular consequence: missense variant.
Genome position (GRCh38, 1-based): chr1:7,809,893, C>G. VCF-style: chr1-7809893-C-G. GRCh37 (hg19) VCF-style: chr1-7869953-C-G.
Other names: c.1243C>G, p.Pro415Ala (NM_001289861.2, NM_001289862.2, NM_001289863.3 and 1 more transcripts); c.286C>G, p.Pro96Ala (NM_001289864.3); c.1240C>G, p.Pro414Ala (NM_016831.4); short protein forms P415A, P414A, P96A.
Identifiers: ClinVar variation 242410 (VCV000242410.29), dbSNP rs150812083, ClinGen allele CA355002.

ClinVar aggregate classification (germline): Conflicting classifications of pathogenicity. Review status: criteria provided, conflicting classifications (1 of 4 stars). 4 submissions from 4 submitters: Pathogenic (1); Uncertain significance (2); Likely benign (1). Last evaluated 2025-02-16.

Conditions:
Advanced sleep phase syndrome 3. Also called: Advanced sleep phase syndrome, familial, 3. Identifiers: Orphanet 164736, MedGen C4225169, MONDO:0014814, OMIM 616882.

Allele frequency attached by ClinVar (database versions not stated): TOPMed 0.00267; ESP Exome Variant Server 0.00284; 1000 Genomes Project 30x 0.00312; 1000 Genomes Project 0.00339; gnomAD 0.00501 and 0.00511; gnomAD exomes 0.00562; ExAC 0.00589.
gnomAD v4.1: 7,948 of 1,613,532 alleles (0.49%); highest among the groups gnomAD compares: Non-Finnish European, 0.48%; 47 homozygotes.

Submissions (4):

Laboratory of Genetics, Children's Clinical University Hospital Latvia
Classification: Likely benign. Last evaluated: 2025-02-16. Review status: criteria provided, single submitter. Criteria: ACMG Guidelines, 2015. Collection method: clinical testing. Allele origin: germline. Affected: yes.

CeGaT Center for Human Genetics Tuebingen
Classification: Uncertain significance. Last evaluated: 2023-12-01. Review status: criteria provided, single submitter. Criteria: CeGaT Center For Human Genetics Tuebingen Variant Classification Criteria Version 2. Collection method: clinical testing. Allele origin: germline. Affected: yes. Observed: 2 variant alleles.
Comment: PER3: PS3:Moderate, PP4, BP4, BS1:Supporting

Department of Pathology and Laboratory Medicine, Sinai Health System
Classification: Uncertain significance for Advanced sleep phase syndrome 3. Last evaluated: 2023-04-18. Review status: criteria provided, single submitter. Criteria: ACMG Guidelines, 2015. Collection method: research. Allele origin: germline.

Bioinformatics dept., Datar Cancer Genetics Limited, India
Classification: Pathogenic for Advanced sleep phase syndrome 3. Last evaluated: 2017-06-23. Review status: criteria provided, single submitter. Criteria: ACMG Guidelines, 2015. Collection method: clinical testing. Allele origin: germline. Inheritance: Autosomal dominant inheritance. Observed: 1 variant allele, 1 compound heterozygote.

Literature cited by the submitters: PubMed 26903630 (cited by Bioinformatics dept., Datar Cancer Genetics Limited, India).